The following is an entry in ClinVar:

ClinVar aggregate classification (germline): Uncertain significance. Review status: criteria provided, multiple submitters, no conflicts (2 of 4 stars). 2 submissions from 2 submitters: Uncertain significance (2). Last evaluated 2025-12-09.

Conditions:
Joubert syndrome 21 (JBTS21). Identifiers: MedGen C3810212, MONDO:0014288, OMIM 615636.
Inborn genetic diseases. Identifiers: MedGen C0950123, MeSH D030342.

Allele frequency attached by ClinVar (database versions not stated): TOPMed 0.00002; gnomAD 0.00002; gnomAD exomes 0.00002.
gnomAD v4.1: 33 of 1,611,912 alleles (0.002%); highest among the groups gnomAD compares: Non-Finnish European, 0.0027%; no homozygotes.

Submissions (2):

Ambry Genetics
Classification: Uncertain significance for Inborn genetic diseases. Last evaluated: 2025-12-09. Review status: criteria provided, single submitter. Criteria: Ambry Variant Classification Scheme 2023. Collection method: clinical testing. Allele origin: germline.

Labcorp Genetics (formerly Invitae), Labcorp
Classification: Uncertain significance for Joubert syndrome 21. Last evaluated: 2022-07-23. Review status: criteria provided, single submitter. Criteria: Invitae Variant Classification Sherloc (09022015). Collection method: clinical testing. Allele origin: germline.
Comment: In summary, the available evidence is currently insufficient to determine the role of this variant in disease. Therefore, it has been classified as a Variant of Uncertain Significance. Algorithms developed to predict the effect of missense changes on protein structure and function are either unavailable or do not agree on the potential impact of this missense change (SIFT: "Tolerated"; PolyPhen-2: "Possibly Damaging"; Align-GVGD: "Class C0"). This variant has not been reported in the literature in individuals affected with CSPP1-related conditions. This variant is not present in population databases (gnomAD no frequency). This sequence change replaces lysine, which is basic and polar, with arginine, which is basic and polar, at codon 570 of the CSPP1 protein (p.Lys570Arg).

NM_001382391.1(CSPP1):c.1724A>G (p.Lys575Arg)

Gene: CSPP1 (centrosome and spindle pole associated protein 1; plus strand). Cytogenetic location: 8q13.2.
Variant type: single nucleotide variant.
Coding change: c.1724A>G on transcript NM_001382391.1 (MANE Select); coding-DNA position 1724, A replaced by G.
Protein change: p.Lys575Arg; replaces lysine 575 with arginine.
Molecular consequence: missense variant.
Genome position (GRCh38, 1-based): chr8:67,131,977, A>G. VCF-style: chr8-67131977-A-G. GRCh37 (hg19) VCF-style: chr8-68044212-A-G.
Other names: c.827A>G, p.Lys276Arg (NM_001291339.2); c.1643A>G, p.Lys548Arg (NM_001363131.2); c.1682A>G, p.Lys561Arg (NM_001363132.2); c.1601A>G, p.Lys534Arg (NM_001363133.2); c.1790A>G, p.Lys597Arg (NM_001364869.1); c.1610A>G, p.Lys537Arg (NM_001364870.1); c.1709A>G, p.Lys570Arg (NM_024790.7); short protein forms K534R, K597R, K570R, K561R, K575R, K276R, K537R, K548R.
Identifiers: ClinVar variation 2037126 (VCV002037126.3), dbSNP rs759406937, ClinGen allele CA178221790.